The following is an entry in ClinVar:

NM_000535.7(PMS2):c.1770T>C (p.Ile590=)

Gene: PMS2 (PMS1 homolog 2, mismatch repair system component; minus strand). Cytogenetic location: 7p22.1.
Variant type: single nucleotide variant.
Coding change: c.1770T>C on transcript NM_000535.7 (MANE Select); coding-DNA position 1770, T replaced by C.
Protein change: p.Ile590=; no amino-acid change (isoleucine 590 retained).
Molecular consequence: synonymous variant. On other transcripts: non-coding transcript variant (1), intron variant (1).
Genome position (GRCh38, 1-based): chr7:5,986,995, A>G on the plus strand (T>C on the coding strand, the complement: PMS2 is on the minus strand). VCF-style: chr7-5986995-A-G. GRCh37 (hg19) VCF-style: chr7-6026626-A-G.
Other names: c.1365T>C, p.Ile455= (NM_001322003.2, NM_001322004.2, NM_001322005.2 and 16 more transcripts); c.1614T>C, p.Ile538= (NM_001322006.2, NM_001406870.1); c.1452T>C, p.Ile484= (NM_001322007.2, NM_001322008.2, NM_001406876.1 and 2 more transcripts); c.1209T>C, p.Ile403= (NM_001322010.2, NM_001406906.1, NM_001406907.1); c.837T>C, p.Ile279= (NM_001322011.2, NM_001322012.2); c.1197T>C, p.Ile399= (NM_001322013.2, NM_001406909.1); c.1770T>C, p.Ile590= (NM_001322014.2, NM_001406871.1, NM_001406872.1); c.1461T>C, p.Ile487= (NM_001322015.2, NM_001406875.1, NM_001406877.1 and 5 more transcripts); and 13 more.
Identifiers: ClinVar variation 3904212 (VCV003904212.1).

ClinVar aggregate classification (germline): Benign (1 of 4 stars; one submission).

Conditions:
Lynch syndrome 4 (LYNCH4). Also called: Colorectal cancer, hereditary nonpolyposis, type 4; Hereditary non-polyposis colorectal cancer, type 4. Identifiers: Orphanet 144, MedGen C1838333, MONDO:0013699, OMIM 614337. Disease mechanism: loss of function.

Submission:

Myriad Genetics, Inc.
Classification: Benign for Lynch syndrome 4. Last evaluated: 2025-01-31. Review status: criteria provided, single submitter. Criteria: Myriad Autosomal Dominant, Autosomal Recessive and X-Linked Classification Criteria (2023). Collection method: clinical testing. Allele origin: unknown.
Comment: This variant is considered benign. This variant is a silent/synonymous amino acid change and it is not expected to impact splicing.